The following is an entry in ClinVar:

ClinVar aggregate classification (germline): Conflicting classifications of pathogenicity. Review status: criteria provided, conflicting classifications (1 of 4 stars). 2 submissions from 2 submitters: Uncertain significance (1); Likely benign (1). Last evaluated 2025-11-01.

Conditions:
Inborn genetic diseases. Identifiers: MedGen C0950123, MeSH D030342.

Allele frequency attached by ClinVar (database versions not stated): 1000 Genomes Project 30x 0.00047; ESP Exome Variant Server 0.00132.
gnomAD v4.1: 2,145 of 1,613,898 alleles (0.13%); highest among the groups gnomAD compares: Non-Finnish European, 0.17%; 2 homozygotes.

Submissions (2):

CeGaT Center for Human Genetics Tuebingen
Classification: Likely benign. Last evaluated: 2025-11-01. Review status: criteria provided, single submitter. Criteria: CeGaT Center For Human Genetics Tuebingen Variant Classification Criteria Version 2. Collection method: clinical testing. Allele origin: germline. Affected: yes. Observed: 2 variant alleles.
Comment: PADI6: BP4, BS1

Ambry Genetics
Classification: Uncertain significance for Inborn genetic diseases. Last evaluated: 2021-09-16. Review status: criteria provided, single submitter. Criteria: Ambry Variant Classification Scheme 2023. Collection method: clinical testing. Allele origin: germline.

NM_207421.4(PADI6):c.280G>T (p.Val94Leu)

Gene: PADI6 (peptidyl arginine deiminase 6; plus strand). Cytogenetic location: 1p36.13.
Variant type: single nucleotide variant.
Coding change: c.280G>T on transcript NM_207421.4 (MANE Select); coding-DNA position 280, G replaced by T.
Protein change: p.Val94Leu; replaces valine 94 with leucine.
Molecular consequence: missense variant.
Genome position (GRCh38, 1-based): chr1:17,373,219, G>T. VCF-style: chr1-17373219-G-T. GRCh37 (hg19) VCF-style: chr1-17699714-G-T.
Other names: c.280G>T (NM_207421.3); short protein forms V94L.
Identifiers: ClinVar variation 1675348 (VCV001675348.36), dbSNP rs200488264, ClinGen allele CA641254.